The following is an entry in ClinVar:

NM_007192.4(SUPT16H):c.373A>G (p.Ile125Val)

Gene: SUPT16H (SPT16 homolog, facilitates chromatin remodeling subunit; minus strand). Cytogenetic location: 14q11.2.
Variant type: single nucleotide variant.
Coding change: c.373A>G on transcript NM_007192.4 (MANE Select); coding-DNA position 373, A replaced by G.
Protein change: p.Ile125Val; replaces isoleucine 125 with valine.
Molecular consequence: missense variant.
Genome position (GRCh38, 1-based): chr14:21,370,446, T>C on the plus strand (A>G on the coding strand, the complement: SUPT16H is on the minus strand). VCF-style: chr14-21370446-T-C. GRCh37 (hg19) VCF-style: chr14-21838605-T-C.
Other names: short protein forms I125V.
Identifiers: ClinVar variation 4281794 (VCV004281794.2).
Genomic context (GRCh38, chr14:21,370,446, plus strand): 5'-CTCCAGGGAATTTGTCTTTGCTGAACACTCCAATCTTCTTGCCATTCTTGCTTTCTTTAA[T>C]GGCTTCAATCATTTTGTCAAAGCTACTCTTATTACTTTCATTCTGTCAGTGTCATAGGGA-3'
Protein context (NP_009123.1, residues 115-135): KSSFDKMIEA[Ile125Val]KESKNGKKIG

ClinVar aggregate classification (germline): Uncertain significance (1 of 4 stars; one submission).

Submission:

GeneDx
Classification: Uncertain significance. Last evaluated: 2026-09-16. Review status: criteria provided, single submitter. Criteria: GeneDx Variant Classification Process June 2021. Collection method: clinical testing. Allele origin: germline.
Comment: Not observed at significant frequency in large population cohorts (gnomAD); In silico analysis suggests that this missense variant does not alter protein structure/function; Has not been previously published as pathogenic or benign to our knowledge